The following is an entry in ClinVar:

NM_002485.5(NBN):c.1213G>A (p.Glu405Lys)

Gene: NBN (nibrin; minus strand). Cytogenetic location: 8q21.3.
Variant type: single nucleotide variant.
Coding change: c.1213G>A on transcript NM_002485.5 (MANE Select); coding-DNA position 1213, G replaced by A.
Protein change: p.Glu405Lys; replaces glutamic acid 405 with lysine.
Molecular consequence: missense variant.
Genome position (GRCh38, 1-based): chr8:89,955,467, C>T on the plus strand (G>A on the coding strand, the complement: NBN is on the minus strand). VCF-style: chr8-89955467-C-T. GRCh37 (hg19) VCF-style: chr8-90967695-C-T.
Other names: c.967G>A, p.Glu323Lys (NM_001024688.3); short protein forms E323K, E405K.
Identifiers: ClinVar variation 1023594 (VCV001023594.13), dbSNP rs1810666621, ClinGen allele CA371656350.

ClinVar aggregate classification (germline): Uncertain significance. Review status: criteria provided, multiple submitters, no conflicts (2 of 4 stars). 3 submissions from 3 submitters: Uncertain significance (3). Last evaluated 2025-08-10.

Conditions:
Aplastic anemia. Identifiers: Orphanet 182040, Orphanet 88, MedGen C0002874, MONDO:0015909, OMIM 609135, HP:0001915.
Hereditary cancer-predisposing syndrome. Also called: Hereditary neoplastic syndrome; Neoplastic Syndromes, Hereditary; Tumor predisposition; Hereditary Cancer Syndrome. Identifiers: Orphanet 140162, MedGen C0027672, MeSH D009386, MONDO:0015356.
Microcephaly, normal intelligence and immunodeficiency (NBS). Also called: BERLIN BREAKAGE SYNDROME; Immunodeficiency, microcephaly with normal intelligence; Nijmegen breakage syndrome; Microcephaly with normal intelligence immunodeficiency and lymphoreticular malignancies; Nonsyndromal microcephaly autosomal recessive with normal intelligence; Seemanova syndrome 2. Identifiers: Orphanet 647, MedGen C0398791, MONDO:0009623, OMIM 251260.

Allele frequency attached by ClinVar (database versions not stated): TOPMed below 0.00001.

Submissions (3):

Ambry Genetics
Classification: Uncertain significance for Hereditary cancer-predisposing syndrome. Last evaluated: 2025-08-10. Review status: criteria provided, single submitter. Criteria: Ambry Variant Classification Scheme 2023. Collection method: clinical testing. Allele origin: germline.
Comment: The p.E405K variant (also known as c.1213G>A), located in coding exon 10 of the NBN gene, results from a G to A substitution at nucleotide position 1213. The glutamic acid at codon 405 is replaced by lysine, an amino acid with similar properties. This amino acid position is well conserved in available vertebrate species; however, lysine is the reference amino acid in other vertebrate species. In addition, this alteration is predicted to be tolerated by in silico analysis. Since supporting evidence is limited at this time, the clinical significance of this alteration remains unclear.

Baylor Genetics
Classification: Uncertain significance for Aplastic anemia. Last evaluated: 2024-01-23. Review status: criteria provided, single submitter. Criteria: ACMG Guidelines, 2015. Collection method: clinical testing. Allele origin: unknown.

Labcorp Genetics (formerly Invitae), Labcorp
Classification: Uncertain significance for Microcephaly, normal intelligence and immunodeficiency. Last evaluated: 2023-05-03. Review status: criteria provided, single submitter. Criteria: Invitae Variant Classification Sherloc (09022015). Collection method: clinical testing. Allele origin: germline.
Comment: In summary, the available evidence is currently insufficient to determine the role of this variant in disease. Therefore, it has been classified as a Variant of Uncertain Significance. Algorithms developed to predict the effect of missense changes on protein structure and function output the following: SIFT: "Not Available"; PolyPhen-2: "Benign"; Align-GVGD: "Not Available". The lysine amino acid residue is found in multiple mammalian species, which suggests that this missense change does not adversely affect protein function. ClinVar contains an entry for this variant (Variation ID: 1023594). This variant has not been reported in the literature in individuals affected with NBN-related conditions. This variant is not present in population databases (gnomAD no frequency). This sequence change replaces glutamic acid, which is acidic and polar, with lysine, which is basic and polar, at codon 405 of the NBN protein (p.Glu405Lys).